The following is an entry in ClinVar:

NM_001330063.2(ANKFY1):c.2584G>A (p.Gly862Arg)

Genes: ANKFY1 (ankyrin repeat and FYVE domain containing 1; minus strand), LOC126862466 (MED14-independent group 3 enhancer GRCh37_chr17:4081807-4083006; plus strand). Cytogenetic location: 17p13.2.
Variant type: single nucleotide variant.
Coding change: c.2584G>A on transcript NM_001330063.2 (MANE Select); coding-DNA position 2584, G replaced by A.
Protein change: p.Gly862Arg; replaces glycine 862 with arginine.
Molecular consequence: missense variant. On other transcripts: non-coding transcript variant (1).
Genome position (GRCh38, 1-based): chr17:4,178,871, C>T on the plus strand (G>A on the coding strand, the complement: ANKFY1 is on the minus strand). VCF-style: chr17-4178871-C-T. GRCh37 (hg19) VCF-style: chr17-4082166-C-T.
Other names: c.2710G>A, p.Gly904Arg (NM_001257999.3); c.2587G>A, p.Gly863Arg (NM_016376.5); c.2710G>A (NM_001257999.2); short protein forms G862R, G863R, G904R.
Identifiers: ClinVar variation 2411949 (VCV002411949.3), dbSNP rs200734276, ClinGen allele CA8301103.

ClinVar aggregate classification (germline): Uncertain significance. Review status: criteria provided, multiple submitters, no conflicts (2 of 4 stars). 2 submissions from 2 submitters: Uncertain significance (2). Last evaluated 2022-12-21.

Conditions:
ANKFY1-related disorder. Also called: ANKFY1-related condition.

Allele frequency attached by ClinVar (database versions not stated): gnomAD exomes 0.00001; ExAC 0.00003; TOPMed 0.00012; gnomAD 0.00014; ESP Exome Variant Server 0.00016.
gnomAD v4.1: 39 of 1,614,086 alleles (0.0024%); highest among the groups gnomAD compares: African/African-American, 0.04%; no homozygotes.

Submissions (2):

PreventionGenetics, part of Exact Sciences
Classification: Uncertain significance for ANKFY1-related condition. Last evaluated: 2022-12-21. Review status: criteria provided, single submitter. Criteria: ACMG Guidelines, 2015. Collection method: clinical testing. Allele origin: germline.
Comment: The ANKFY1 c.2710G>A variant is predicted to result in the amino acid substitution p.Gly904Arg. To our knowledge, this variant has not been reported in the literature. This variant is reported in 0.033% of alleles in individuals of African descent in gnomAD. At this time, the clinical significance of this variant is uncertain due to the absence of conclusive functional and genetic evidence.

Ambry Genetics
Classification: Uncertain significance. Last evaluated: 2021-10-12. Review status: criteria provided, single submitter. Criteria: Ambry Variant Classification Scheme 2023. Collection method: clinical testing. Allele origin: germline.